The following is an entry in ClinVar:

ClinVar aggregate classification (germline): Uncertain significance. Review status: criteria provided, multiple submitters, no conflicts (2 of 4 stars). 5 submissions from 5 submitters: Uncertain significance (2). 3 of the submissions do not count toward it. Last evaluated 2025-05-03.

Conditions:
Brugada syndrome 8 (BRGDA8). Identifiers: Orphanet 130, MedGen C2751083, MONDO:0013148, OMIM 613123.
Cardiovascular phenotype. Identifiers: MedGen CN230736.

gnomAD v4.1: 3 of 1,611,594 alleles (0.00019%); highest among the groups gnomAD compares: Non-Finnish European, 0.00025%; no homozygotes.

Submissions (5):

Ambry Genetics
Classification: Uncertain significance for Cardiovascular phenotype. Last evaluated: 2025-05-03. Review status: criteria provided, single submitter. Criteria: Ambry Variant Classification Scheme 2023. Collection method: clinical testing. Allele origin: germline.
Comment: The p.P1164S variant (also known as c.3490C>T), located in coding exon 8 of the HCN4 gene, results from a C to T substitution at nucleotide position 3490. The proline at codon 1164 is replaced by serine, an amino acid with similar properties. This amino acid position is well conserved in available vertebrate species. In addition, the in silico prediction for this alteration is inconclusive. Based on the available evidence, the clinical significance of this variant remains unclear.

Labcorp Genetics (formerly Invitae), Labcorp
Classification: Uncertain significance for Brugada syndrome 8. Last evaluated: 2024-07-03. Review status: criteria provided, single submitter. Criteria: Invitae Variant Classification Sherloc (09022015). Collection method: clinical testing. Allele origin: germline.
Comment: This sequence change replaces proline, which is neutral and non-polar, with serine, which is neutral and polar, at codon 1164 of the HCN4 protein (p.Pro1164Ser). The frequency data for this variant in the population databases is considered unreliable, as metrics indicate poor data quality at this position in the gnomAD database. This variant has not been reported in the literature in individuals affected with HCN4-related conditions. ClinVar contains an entry for this variant (Variation ID: 1284374). Advanced modeling of protein sequence and biophysical properties (such as structural, functional, and spatial information, amino acid conservation, physicochemical variation, residue mobility, and thermodynamic stability) performed at Invitae indicates that this missense variant is not expected to disrupt HCN4 protein function with a negative predictive value of 95%. In summary, the available evidence is currently insufficient to determine the role of this variant in disease. Therefore, it has been classified as a Variant of Uncertain Significance.

Clinical Genetics DNA and cytogenetics Diagnostics Lab, Erasmus MC, Erasmus Medical Center
Classification: Uncertain significance. Review status: no assertion criteria provided. Collection method: clinical testing. Allele origin: germline. Affected: yes. Study: VKGL Data-share Consensus. Not counted in ClinVar's aggregate classification.

Clinical Genetics, Academic Medical Center
Classification: Uncertain significance. Review status: no assertion criteria provided. Collection method: clinical testing. Allele origin: germline. Affected: yes. Study: VKGL Data-share Consensus. Not counted in ClinVar's aggregate classification.

Diagnostic Laboratory, Department of Genetics, University Medical Center Groningen
Classification: Uncertain significance. Review status: no assertion criteria provided. Collection method: clinical testing. Allele origin: germline. Affected: yes. Study: VKGL Data-share Consensus. Not counted in ClinVar's aggregate classification.

NM_005477.3(HCN4):c.3490C>T (p.Pro1164Ser)

Gene: HCN4 (hyperpolarization activated cyclic nucleotide gated potassium channel 4; minus strand). Cytogenetic location: 15q24.1.
Variant type: single nucleotide variant.
Coding change: c.3490C>T on transcript NM_005477.3 (MANE Select); coding-DNA position 3490, C replaced by T.
Protein change: p.Pro1164Ser; replaces proline 1164 with serine.
Molecular consequence: missense variant.
Genome position (GRCh38, 1-based): chr15:73,322,603, G>A on the plus strand (C>T on the coding strand, the complement: HCN4 is on the minus strand). VCF-style: chr15-73322603-G-A. GRCh37 (hg19) VCF-style: chr15-73614944-G-A.
Other names: c.3490C>T (NM_005477.2); short protein forms P1164S.
Identifiers: ClinVar variation 1284374 (VCV001284374.7), dbSNP rs750255859, ClinGen allele CA393085133.